The following is an entry in ClinVar:

NM_001042492.3(NF1):c.4888A>T (p.Thr1630Ser)

Gene: NF1 (neurofibromin 1; plus strand). Cytogenetic location: 17q11.2.
Variant type: single nucleotide variant.
Coding change: c.4888A>T on transcript NM_001042492.3 (MANE Select); coding-DNA position 4888, A replaced by T.
Protein change: p.Thr1630Ser; replaces threonine 1630 with serine.
Molecular consequence: missense variant.
Genome position (GRCh38, 1-based): chr17:31,325,872, A>T. VCF-style: chr17-31325872-A-T. GRCh37 (hg19) VCF-style: chr17-29652890-A-T.
Other names: c.4825A>T, p.Thr1609Ser (NM_000267.4); short protein forms T1609S, T1630S.
Identifiers: ClinVar variation 3237805 (VCV003237805.2), dbSNP rs951370950.

ClinVar aggregate classification (germline): Uncertain significance. Review status: criteria provided, multiple submitters, no conflicts (2 of 4 stars). 2 submissions from 2 submitters: Uncertain significance (2). Last evaluated 2025-10-12.

Conditions:
Hereditary cancer-predisposing syndrome. Also called: Hereditary Cancer Syndrome; Tumor predisposition; Neoplastic Syndromes, Hereditary; Hereditary neoplastic syndrome. Identifiers: Orphanet 140162, MedGen C0027672, MeSH D009386, MONDO:0015356.
Cardiovascular phenotype. Identifiers: MedGen CN230736.
Neurofibromatosis, type 1 (NF1). Also called: VON RECKLINGHAUSEN DISEASE; Neurofibromatosis, type I; NEUROFIBROMATOSIS, TYPE I, SOMATIC; Peripheral type neurofibromatosis. Identifiers: Orphanet 636, MedGen C0027831, MONDO:0018975, OMIM 162200. Disease mechanism: loss of function.

Submissions (2):

Labcorp Genetics (formerly Invitae), Labcorp
Classification: Uncertain significance for Neurofibromatosis, type 1. Last evaluated: 2025-10-12. Review status: criteria provided, single submitter. Criteria: Invitae Variant Classification Sherloc (09022015). Collection method: clinical testing. Allele origin: germline.
Comment: This sequence change replaces threonine, which is neutral and polar, with serine, which is neutral and polar, at codon 1609 of the NF1 protein (p.Thr1609Ser). This variant is not present in population databases (gnomAD no frequency). This variant has not been reported in the literature in individuals affected with NF1-related conditions. ClinVar contains an entry for this variant (Variation ID: 3237805). Invitae Evidence Modeling of protein sequence and biophysical properties (such as structural, functional, and spatial information, amino acid conservation, physicochemical variation, residue mobility, and thermodynamic stability) has been performed for this missense variant. However, the output from this modeling did not meet the statistical confidence thresholds required to predict the impact of this variant on NF1 protein function. In summary, the available evidence is currently insufficient to determine the role of this variant in disease. Therefore, it has been classified as a Variant of Uncertain Significance.

Ambry Genetics
Classification: Uncertain significance for Cardiovascular phenotype; Hereditary cancer-predisposing syndrome. Last evaluated: 2023-10-27. Review status: criteria provided, single submitter. Criteria: Ambry Variant Classification Scheme 2023. Collection method: clinical testing. Allele origin: germline.
Comment: The p.T1609S variant (also known as c.4825A>T), located in coding exon 36 of the NF1 gene, results from an A to T substitution at nucleotide position 4825. The threonine at codon 1609 is replaced by serine, an amino acid with similar properties. This amino acid position is conserved. In addition, the in silico prediction for this alteration is inconclusive. Since supporting evidence is limited at this time, the clinical significance of this alteration remains unclear.